The following is an entry in ClinVar:

ClinVar aggregate classification (germline): Uncertain significance (1 of 4 stars; one submission).

Conditions:
Immunodeficiency 35 (IMD35). Also called: HIES WITH ATYPICAL MYCOBACTERIOSIS, AUTOSOMAL RECESSIVE; HYPER-IgE SYNDROME WITH ATYPICAL MYCOBACTERIOSIS, AUTOSOMAL RECESSIVE; TYK2 DEFICIENCY; Susceptibility to infection due to TYK2 deficiency. Identifiers: Orphanet 331226, MedGen C1969086, MONDO:0012682, OMIM 611521.

Allele frequency attached by ClinVar (database versions not stated): ExAC 0.00001; gnomAD exomes 0.00001; TOPMed 0.00002; gnomAD 0.00003.
gnomAD v4.1: 16 of 1,612,546 alleles (0.00099%); highest among the groups gnomAD compares: East Asian, 0.033%; no homozygotes.

Submission:

Labcorp Genetics (formerly Invitae), Labcorp
Classification: Uncertain significance for Immunodeficiency 35. Last evaluated: 2017-11-12. Review status: criteria provided, single submitter. Criteria: Invitae Variant Classification Sherloc (09022015). Collection method: clinical testing. Allele origin: germline.
Comment: In summary, the available evidence is currently insufficient to determine the role of this variant in disease. Therefore, it has been classified as a Variant of Uncertain Significance. Algorithms developed to predict the effect of missense changes on protein structure and function output the following: SIFT: "Tolerated"; PolyPhen-2: "Benign"; Align-GVGD: "Class C0". The valine amino acid residue is found in multiple mammalian species, suggesting that this missense change does not adversely affect protein function. These predictions have not been confirmed by published functional studies and their clinical significance is uncertain. This variant has not been reported in the literature in individuals with TYK2-related disease. This variant is present in population databases (rs777395821, ExAC 0.01%). This sequence change replaces methionine with valine at codon 22 of the TYK2 protein (p.Met22Val). The methionine residue is weakly conserved and there is a small physicochemical difference between methionine and valine.

NM_003331.5(TYK2):c.64A>G (p.Met22Val)

Gene: TYK2 (tyrosine kinase 2; minus strand). Cytogenetic location: 19p13.2.
Variant type: single nucleotide variant.
Coding change: c.64A>G on transcript NM_003331.5 (MANE Select); coding-DNA position 64, A replaced by G.
Protein change: p.Met22Val; replaces methionine 22 with valine.
Molecular consequence: missense variant.
Genome position (GRCh38, 1-based): chr19:10,378,343, T>C on the plus strand (A>G on the coding strand, the complement: TYK2 is on the minus strand). VCF-style: chr19-10378343-T-C. GRCh37 (hg19) VCF-style: chr19-10489019-T-C.
Other names: c.64A>G (LRG_121t1); short protein forms M22V.
Identifiers: ClinVar variation 536639 (VCV000536639.7), dbSNP rs777395821, ClinGen allele CA9193891.